The following is an entry in ClinVar:

NM_006206.6(PDGFRA):c.1019G>A (p.Arg340Gln)

Gene: PDGFRA (platelet derived growth factor receptor alpha; plus strand). Cytogenetic location: 4q12.
Variant type: single nucleotide variant.
Coding change: c.1019G>A on transcript NM_006206.6 (MANE Select); coding-DNA position 1019, G replaced by A.
Protein change: p.Arg340Gln; replaces arginine 340 with glutamine.
Molecular consequence: missense variant.
Genome position (GRCh38, 1-based): chr4:54,267,639, G>A. VCF-style: chr4-54267639-G-A. GRCh37 (hg19) VCF-style: chr4-55133806-G-A.
Other names: c.1019G>A, p.Arg340Gln (NM_001347827.2, NM_001347829.2); c.1094G>A, p.Arg365Gln (NM_001347828.2); c.1058G>A, p.Arg353Gln (NM_001347830.2); short protein forms R340Q, R365Q, R353Q.
Identifiers: ClinVar variation 41790 (VCV000041790.38), dbSNP rs77524207, ClinGen allele CA161453.
Genomic context (GRCh38, chr4:54,267,639, plus strand): 5'-CCTTCAGCCAGTTGGAAGCTGTCAACCTGCATGAAGTCAAACATTTTGTTGTAGAGGTGC[G>A]GGCCTACCCACCTCCCAGGATATCCTGGCTGAAAAACAATCTGACTCTGATTGAAAATCT-3'
Protein context (NP_006197.1, residues 330-350): HEVKHFVVEV[Arg340Gln]AYPPPRISWL

ClinVar aggregate classification (germline): Benign. Review status: criteria provided, multiple submitters, no conflicts (2 of 4 stars). 11 submissions from 10 submitters: Benign (9). 2 of the submissions do not count toward it. Last evaluated 2026-06-16.

Conditions:
Polyps, multiple and recurrent inflammatory fibroid, gastrointestinal. Identifiers: MedGen C5193005, MONDO:0008285, OMIM 175510.
Hereditary cancer-predisposing syndrome. Also called: Tumor predisposition; Neoplastic Syndromes, Hereditary; Hereditary Cancer Syndrome; Hereditary neoplastic syndrome. Identifiers: Orphanet 140162, MedGen C0027672, MeSH D009386, MONDO:0015356.
Gastrointestinal stromal tumor. Also called: Gastrointestinal stromal tumor, somatic; Gastrointestinal stroma tumor. Identifiers: Orphanet 44890, MedGen C0238198, MeSH D046152, MONDO:0011719, OMIM 606764, HP:0100723.
Idiopathic hypereosinophilic syndrome (HES). Identifiers: Orphanet 3260, MedGen C0206141, MONDO:0011895, OMIM 607685. Disease mechanism: gain of function.

Allele frequency attached by ClinVar (database versions not stated): ESP Exome Variant Server 0.01676; 1000 Genomes Project 0.01677; TOPMed 0.01730; gnomAD exomes 0.00149 and 0.00405; ExAC 0.00500; gnomAD 0.01522 and 0.01633; 1000 Genomes Project 30x 0.01624.
gnomAD v4.1: 4,608 of 1,614,018 alleles (0.29%); highest among the groups gnomAD compares: African/African-American, 5.2%; 107 homozygotes.

Submissions (11):

Myriad Genetics, Inc.
Classification: Benign for Polyps, multiple and recurrent inflammatory fibroid, gastrointestinal. Last evaluated: 2026-06-16. Review status: criteria provided, single submitter. Criteria: Myriad Autosomal Dominant, Autosomal Recessive and X-Linked Classification Criteria (2023). Collection method: clinical testing. Allele origin: unknown.
Comment: This variant is considered benign. This variant has been observed at a population frequency that is significantly greater than expected given the associated disease prevalence and penetrance.

Labcorp Genetics (formerly Invitae), Labcorp
Classification: Benign for Gastrointestinal stromal tumor. Last evaluated: 2026-02-04. Review status: criteria provided, single submitter. Criteria: Invitae Variant Classification Sherloc (09022015). Collection method: clinical testing. Allele origin: germline.

ARUP Laboratories, Molecular Genetics and Genomics, ARUP Laboratories
Classification: Benign. Last evaluated: 2025-05-06. Review status: criteria provided, single submitter. Criteria: ARUP Molecular Germline Variant Investigation Process 2024. Collection method: clinical testing. Allele origin: germline.

CeGaT Center for Human Genetics Tuebingen
Classification: Benign. Last evaluated: 2024-11-01. Review status: criteria provided, single submitter. Criteria: CeGaT Center For Human Genetics Tuebingen Variant Classification Criteria Version 2. Collection method: clinical testing. Allele origin: germline. Affected: yes. Observed: 1 variant allele.
Comment: PDGFRA: BP4, BS1, BS2

Ambry Genetics
Classification: Benign for Hereditary cancer-predisposing syndrome. Last evaluated: 2019-05-15. Review status: criteria provided, single submitter. Criteria: Ambry Variant Classification Scheme 2023. Collection method: clinical testing. Allele origin: germline.

GeneDx
Classification: Benign. Last evaluated: 2018-06-22. Review status: criteria provided, single submitter. Criteria: GeneDx Variant Classification Process June 2021. Collection method: clinical testing. Allele origin: germline. Affected: yes.

Illumina Laboratory Services, Illumina
Classification: Benign for Gastrointestinal stromal tumor. Last evaluated: 2018-01-12. Review status: criteria provided, single submitter. Criteria: ICSL Variant Classification Criteria 13 December 2019. Collection method: clinical testing. Allele origin: germline.
Comment: This variant was observed in the ICSL laboratory as part of a predisposition screen in an ostensibly healthy population. It had not been previously curated by ICSL or reported in the Human Gene Mutation Database (HGMD: prior to June 1st, 2018), and was therefore a candidate for classification through an automated scoring system. Utilizing variant allele frequency, disease prevalence and penetrance estimates, and inheritance mode, an automated score was calculated to assess if this variant is too frequent to cause the disease. Based on the score and internal cut-off values, a variant classified as benign is not then subjected to further curation. The score for this variant resulted in a classification of benign for this disease.

Illumina Laboratory Services, Illumina
Classification: Benign for Idiopathic hypereosinophilic syndrome. Last evaluated: 2018-01-12. Review status: criteria provided, single submitter. Criteria: ICSL Variant Classification Criteria 13 December 2019. Collection method: clinical testing. Allele origin: germline.
Comment: the same text as in the submission from Illumina Laboratory Services, Illumina above.

Breakthrough Genomics
Classification: Benign. Review status: criteria provided, single submitter. Criteria: ACMG Guidelines, 2015. Collection method: not provided. Allele origin: germline. Inheritance: Autosomal dominant inheritance. Affected: yes.

ITMI
No classification provided. Condition: AllHighlyPenetrant. Last evaluated: 2013-09-19. Review status: no classification provided. Collection method: reference population. Allele origin: germline. Not counted in ClinVar's aggregate classification.
Comment: Please see associated publication for description of ethnicities

Biesecker Lab/Clinical Genomics Section, National Institutes of Health
Classification: Uncertain significance. Last evaluated: 2012-07-13. Review status: no assertion criteria provided. Collection method: research. Allele origin: germline. Affected: no. Observed: 1 variant allele. Study: ClinSeq. Not counted in ClinVar's aggregate classification.
ClinVar note: Converted during submission from variant of unknown significance to Uncertain significance.

Literature cited by the submitters: PubMed 24728327 (cited by ITMI).